The following is an entry in ClinVar:

NM_002778.4(PSAP):c.1035G>T (p.Met345Ile)

Gene: PSAP (prosaposin; minus strand). Cytogenetic location: 10q22.1.
Variant type: single nucleotide variant.
Coding change: c.1035G>T on transcript NM_002778.4 (MANE Select); coding-DNA position 1035, G replaced by T.
Protein change: p.Met345Ile; replaces methionine 345 with isoleucine.
Molecular consequence: missense variant.
Genome position (GRCh38, 1-based): chr10:71,819,871, C>A on the plus strand (G>T on the coding strand, the complement: PSAP is on the minus strand). VCF-style: chr10-71819871-C-A. GRCh37 (hg19) VCF-style: chr10-73579628-C-A.
Other names: c.1044G>T, p.Met348Ile (NM_001042465.3); c.1041G>T, p.Met347Ile (NM_001042466.3); short protein forms M345I, M348I, M347I.
Identifiers: ClinVar variation 2190303 (VCV002190303.1), dbSNP rs545307941, ClinGen allele CA209455068.

ClinVar aggregate classification (germline): Uncertain significance (1 of 4 stars; one submission).

Conditions:
Sphingolipid activator protein 1 deficiency. Also called: Metachromatic leukodystrophy due to saposin B deficiency; METACHROMATIC LEUKODYSTROPHY DUE TO CEREBROSIDE SULFATASE ACTIVATOR DEFICIENCY; Saposin B Deficiency. Identifiers: Orphanet 512, MedGen C0268262, MONDO:0009590, OMIM 249900.

gnomAD v4.1: 18 of 1,614,156 alleles (0.0011%); highest among the groups gnomAD compares: Non-Finnish European, 0.0015%; no homozygotes.

Submission:

Labcorp Genetics (formerly Invitae), Labcorp
Classification: Uncertain significance for Sphingolipid activator protein 1 deficiency. Last evaluated: 2022-02-20. Review status: criteria provided, single submitter. Criteria: Invitae Variant Classification Sherloc (09022015). Collection method: clinical testing. Allele origin: germline.
Comment: This sequence change replaces methionine, which is neutral and non-polar, with isoleucine, which is neutral and non-polar, at codon 345 of the PSAP protein (p.Met345Ile). This variant is present in population databases (rs545307941, gnomAD 0.002%). This variant has not been reported in the literature in individuals affected with PSAP-related conditions. Algorithms developed to predict the effect of missense changes on protein structure and function output the following: SIFT: "Not Available"; PolyPhen-2: "Benign"; Align-GVGD: "Not Available". The isoleucine amino acid residue is found in multiple mammalian species, which suggests that this missense change does not adversely affect protein function. In summary, the available evidence is currently insufficient to determine the role of this variant in disease. Therefore, it has been classified as a Variant of Uncertain Significance.